The following is an entry in ClinVar:

ClinVar aggregate classification (germline): Uncertain significance (1 of 4 stars; one submission).

Conditions:
Intellectual developmental disorder, autosomal dominant 45. Also called: MENTAL RETARDATION, AUTOSOMAL DOMINANT 45; Intellectual disability, autosomal dominant 45. Identifiers: MedGen C4539848, MONDO:0030910, OMIM 617600.

Submission:

Neuberg Centre For Genomic Medicine, NCGM
Classification: Uncertain significance for Intellectual developmental disorder, autosomal dominant 45. Review status: criteria provided, single submitter. Criteria: ACMG Guidelines, 2015. Collection method: clinical testing. Allele origin: germline. Inheritance: Autosomal dominant inheritance. Affected: yes.
Comment: The splice region c.2795-3C>A variant in CIC gene has not been reported previously as a pathogenic variant nor as a benign variant, to our knowledge. The c.2795-3C>A variant is absent in gnomAD Exomes. This variant has not been submitted to the ClinVar database. SpliceAI predicts this variant to cause splice donor gain(score-0.09). For these reasons, this variant has been classified as Variant of Uncertain Significance (VUS).

NM_001386298.1(CIC):c.2795-3C>A

Gene: CIC (capicua transcriptional repressor; plus strand). Cytogenetic location: 19q13.2.
Variant type: single nucleotide variant.
Coding change: c.2795-3C>A on transcript NM_001386298.1 (MANE Select); 3 bases into the intron before coding-DNA position 2795, C replaced by A.
Molecular consequence: intron variant.
Genome position (GRCh38, 1-based): chr19:42,286,768, C>A. VCF-style: chr19-42286768-C-A. GRCh37 (hg19) VCF-style: chr19-42790920-C-A.
Other names: c.2795-3C>A (NM_001304815.2, NM_001379482.1, NM_001379480.1); c.68-3C>A (NM_015125.5, NM_001379484.1, NM_001379485.1).
Identifiers: ClinVar variation 3603300 (VCV003603300.1).